The following is an entry in ClinVar:

NM_001042492.3(NF1):c.4333A>T (p.Ile1445Leu)

Gene: NF1 (neurofibromin 1; plus strand). Cytogenetic location: 17q11.2.
Variant type: single nucleotide variant.
Coding change: c.4333A>T on transcript NM_001042492.3 (MANE Select); coding-DNA position 4333, A replaced by T.
Protein change: p.Ile1445Leu; replaces isoleucine 1445 with leucine.
Molecular consequence: missense variant.
Genome position (GRCh38, 1-based): chr17:31,259,032, A>T. VCF-style: chr17-31259032-A-T. GRCh37 (hg19) VCF-style: chr17-29586050-A-T.
Other names: c.4270A>T, p.Ile1424Leu (NM_000267.4); short protein forms I1424L, I1445L.
Identifiers: ClinVar variation 457693 (VCV000457693.5), dbSNP rs1555618637, ClinGen allele CA398998677.
Genomic context (GRCh38, chr17:31,259,032, plus strand): 5'-AATGTATAGACTTCATACAATAAATAATCTGATTATTTATAACCCTGTTTTATTGTGTAG[A>T]TACTTCAGAGTATTGCCAATCATGTTCTCTTCACAAAAGAAGAACATATGCGGCCTTTCA-3'
Protein context (NP_001035957.1, residues 1435-1455): IERGLKLMSK[Ile1445Leu]LQSIANHVLF

ClinVar aggregate classification (germline): Uncertain significance (1 of 4 stars; one submission).

Conditions:
Neurofibromatosis, type 1 (NF1). Also called: VON RECKLINGHAUSEN DISEASE; NEUROFIBROMATOSIS, TYPE I, SOMATIC; Peripheral type neurofibromatosis; Neurofibromatosis, type I. Identifiers: Orphanet 636, MedGen C0027831, MONDO:0018975, OMIM 162200. Disease mechanism: loss of function.

Submission:

Labcorp Genetics (formerly Invitae), Labcorp
Classification: Uncertain significance for Neurofibromatosis, type 1. Last evaluated: 2022-10-05. Review status: criteria provided, single submitter. Criteria: Invitae Variant Classification Sherloc (09022015). Collection method: clinical testing. Allele origin: germline.
Comment: This variant is not present in population databases (gnomAD no frequency). This sequence change replaces isoleucine, which is neutral and non-polar, with leucine, which is neutral and non-polar, at codon 1424 of the NF1 protein (p.Ile1424Leu). This variant has not been reported in the literature in individuals affected with NF1-related conditions. ClinVar contains an entry for this variant (Variation ID: 457693). Algorithms developed to predict the effect of missense changes on protein structure and function (SIFT, PolyPhen-2, Align-GVGD) all suggest that this variant is likely to be tolerated. Algorithms developed to predict the effect of sequence changes on RNA splicing suggest that this variant may disrupt the consensus splice site. In summary, the available evidence is currently insufficient to determine the role of this variant in disease. Therefore, it has been classified as a Variant of Uncertain Significance.